The following is an entry in ClinVar:

NM_001267550.2(TTN):c.71149G>T (p.Asp23717Tyr)

Genes: TTN (titin; minus strand), TTN-AS1 (TTN antisense RNA 1; plus strand). Cytogenetic location: 2q31.2.
Variant type: single nucleotide variant.
Coding change: c.71149G>T on transcript NM_001267550.2 (MANE Select); coding-DNA position 71149, G replaced by T.
Protein change: p.Asp23717Tyr; replaces aspartic acid 23717 with tyrosine.
Molecular consequence: missense variant.
Genome position (GRCh38, 1-based): chr2:178,574,983, C>A on the plus strand (G>T on the coding strand, the complement: TTN is on the minus strand). VCF-style: chr2-178574983-C-A. GRCh37 (hg19) VCF-style: chr2-179439710-C-A.
Other names: c.66226G>T, p.Asp22076Tyr (NM_001256850.1); c.43954G>T, p.Asp14652Tyr (NM_003319.4); c.63445G>T, p.Asp21149Tyr (NM_133378.4); c.44329G>T, p.Asp14777Tyr (NM_133432.3); c.44530G>T, p.Asp14844Tyr (NM_133437.4); short protein forms D21149Y, D22076Y, D23717Y, D14652Y, D14777Y, D14844Y.
Identifiers: ClinVar variation 282096 (VCV000282096.18), dbSNP rs371818894, ClinGen allele CA1990672.

ClinVar aggregate classification (germline): Conflicting classifications of pathogenicity. Review status: criteria provided, conflicting classifications (1 of 4 stars). 7 submissions from 7 submitters: Uncertain significance (6); Likely benign (1). Last evaluated 2026-08-26.

Conditions:
TTN-related disorder. Also called: TTN-related condition; TTN-related disease; TTN-related disorders.
Cardiovascular phenotype. Identifiers: MedGen CN230736.
Autosomal recessive limb-girdle muscular dystrophy type 2J (LGMDR10). Also called: MUSCULAR DYSTROPHY, LIMB-GIRDLE, AUTOSOMAL RECESSIVE 10; Limb-girdle muscular dystrophy, type 2J. Identifiers: Orphanet 140922, MedGen C1837342, MONDO:0012127, OMIM 608807.
Dilated cardiomyopathy 1G (CMD1G). Identifiers: Orphanet 154, MedGen C1858763, MONDO:0011400, OMIM 604145.
Cardiomyopathy (CMYO). Also called: Cardiomyopathies. Identifiers: Orphanet 167848, MedGen C0878544, MONDO:0004994, HP:0001638. Inheritance: Various modes of inheritance.

Allele frequency attached by ClinVar (database versions not stated): ExAC 0.00004; gnomAD exomes 0.00004 and 0.00014; gnomAD 0.00006; TOPMed 0.00006; 1000 Genomes Project 30x 0.00016; ESP Exome Variant Server 0.00016.
gnomAD v4.1: 207 of 1,613,306 alleles (0.013%); highest among the groups gnomAD compares: Non-Finnish European, 0.016%; no homozygotes.

Submissions (7):

PreventionGenetics, part of Exact Sciences
Classification: Uncertain significance for TTN-related condition. Last evaluated: 2026-08-26. Review status: criteria provided, single submitter. Criteria: ACMG Guidelines, 2015. Collection method: clinical testing. Allele origin: germline.
Comment: The TTN c.71149G>T variant is predicted to result in the amino acid substitution p.Asp23717Tyr. To our knowledge, this variant has not been reported in the literature. This variant is reported in 0.012% of alleles in individuals of European (Finnish) descent in gnomAD. At this time, the clinical significance of this variant is uncertain due to the absence of conclusive functional and genetic evidence.

Revvity Omics, Revvity
Classification: Uncertain significance. Last evaluated: 2022-09-25. Review status: criteria provided, single submitter. Criteria: ACMG Guidelines, 2015. Collection method: clinical testing. Allele origin: germline.

CHEO Genetics Diagnostic Laboratory, Children's Hospital of Eastern Ontario
Classification: Uncertain significance for Cardiomyopathy. Last evaluated: 2020-11-24. Review status: criteria provided, single submitter. Criteria: ACMG Guidelines, 2015. Collection method: clinical testing. Allele origin: germline.

GeneDx
Classification: Likely benign. Last evaluated: 2019-12-16. Review status: criteria provided, single submitter. Criteria: GeneDx Variant Classification Process June 2021. Collection method: clinical testing. Allele origin: germline. Affected: yes.

Ambry Genetics
Classification: Uncertain significance for Cardiovascular phenotype. Last evaluated: 2019-03-28. Review status: criteria provided, single submitter. Criteria: Ambry Variant Classification Scheme 2023. Collection method: clinical testing. Allele origin: germline.
Comment: The p.D14652Y variant (also known as c.43954G>T), located in coding exon 153 of the TTN gene, results from a G to T substitution at nucleotide position 43954. The aspartic acid at codon 14652 is replaced by tyrosine, an amino acid with highly dissimilar properties. This amino acid position is not well conserved in available vertebrate species. In addition, this alteration is predicted to be tolerated by in silico analysis. Since supporting evidence is limited at this time, the clinical significance of this alteration remains unclear.

Labcorp Genetics (formerly Invitae), Labcorp
Classification: Uncertain significance for Dilated cardiomyopathy 1G; Autosomal recessive limb-girdle muscular dystrophy type 2J. Last evaluated: 2017-06-26. Review status: criteria provided, single submitter. Criteria: Invitae Variant Classification Sherloc (09022015). Collection method: clinical testing. Allele origin: germline.

Eurofins Ntd Llc (ga)
Classification: Uncertain significance. Last evaluated: 2015-07-16. Review status: criteria provided, single submitter. Criteria: EGL Classification Definitions 2015. Collection method: clinical testing. Allele origin: germline. Observed: 3 variant alleles, 3 heterozygotes.